The following is an entry in ClinVar:

ClinVar aggregate classification (germline): Pathogenic. Review status: criteria provided, multiple submitters, no conflicts (2 of 4 stars). 6 submissions from 6 submitters: Pathogenic (6). Last evaluated 2025-07-13.

Conditions:
Hereditary cancer-predisposing syndrome. Also called: Hereditary Cancer Syndrome; Tumor predisposition; Neoplastic Syndromes, Hereditary; Hereditary neoplastic syndrome. Identifiers: Orphanet 140162, MedGen C0027672, MeSH D009386, MONDO:0015356.
Familial cancer of breast. Also called: Hereditary breast cancer; BREAST CANCER, FAMILIAL; hereditary breast carcinoma. Identifiers: Orphanet 227535, MedGen C0346153, MONDO:0016419, OMIM 114480. Disease mechanism: loss of function.
Hereditary breast ovarian cancer syndrome. Also called: Hereditary breast and ovarian cancer syndrome; Hereditary breast and/or ovarian cancer syndrome; Hereditary breast and ovarian cancer syndrome (HBOC); Breast and ovarian cancer; Hereditary breast and ovarian cancer; BRCA1- and BRCA2-Associated Hereditary Breast and Ovarian Cancer. Identifiers: Orphanet 145, MedGen C0677776, MeSH D061325, MONDO:0003582. Disease mechanism: loss of function.

Submissions (6):

Laboratorio de I+D, Fundación Centro Médico de Asturias
Classification: Pathogenic for Hereditary breast ovarian cancer syndrome. Last evaluated: 2025-07-13. Review status: criteria provided, single submitter. Criteria: ACMG Guidelines, 2015. Collection method: clinical testing. Allele origin: germline. Affected: yes.
Comment: PVS1+PM2_Supporting+PP1

Molecular Diagnostics Laboratory, Catalan Institute of Oncology
Classification: Pathogenic for Hereditary cancer-predisposing syndrome. Last evaluated: 2025-06-09. Review status: criteria provided, single submitter. Criteria: ClinGen ACMG Specifications PALB2 V1.1.0. Collection method: clinical testing. Allele origin: germline.
Comment: PVS1, PM5_Supporting, PM2_Supporting c.1857del, located in exon 5 of the PALB2 gene, consists in the deletion of one nucleotide, causing a translational frameshift with a predicted alternate stop codon, p.(Phe619Leufs*9). This alteration is expected to result in loss of function by premature protein truncation and nonsense-mediated mRNA decay (PVS1, PM5_Supporting). It is not present in the population database gnomAD v2.1.1, non cancer dataset (PM2_supporting). The SpliceAI algorithm predicts no significant impact on splicing. Also, the variant has been identified in ClinVar (4x pathogenic) but it has not been identified in the LOVD database. Based on currently available information, the variant c.1857del is classified as pathogenic variant according to ClinGen-PALB2 Guidelines version 1.1.0.

Color Diagnostics, LLC DBA Color Health
Classification: Pathogenic for Hereditary cancer-predisposing syndrome. Last evaluated: 2023-12-12. Review status: criteria provided, single submitter. Criteria: ACMG Guidelines, 2015. Collection method: clinical testing. Allele origin: germline.
Comment: This variant deletes 1 nucleotide in exon 5 of the PALB2 gene, creating a frameshift and premature translation stop signal. This variant is expected to result in an absent or non-functional protein product. To our knowledge, functional studies have not been performed for this variant. This variant has been reported in one individual each affected with breast cancer or ovarian cancer (PMID: 26564480, 32756499) and in a breast cancer case-control study in 1/1207 cases and absent in 1199 controls (PMID: 30303537). This variant has not been identified in the general population by the Genome Aggregation Database (gnomAD). Loss of PALB2 function is a known mechanism of disease. Based on the available evidence, this variant is classified as Pathogenic.

Myriad Genetics, Inc.
Classification: Pathogenic for Familial cancer of breast. Last evaluated: 2023-09-11. Review status: criteria provided, single submitter. Criteria: Myriad Autosomal Dominant, Autosomal Recessive and X-Linked Classification Criteria (2023). Collection method: clinical testing. Allele origin: unknown.
Comment: This variant is considered pathogenic. This variant creates a frameshift predicted to result in premature protein truncation.

Ambry Genetics
Classification: Pathogenic for Hereditary cancer-predisposing syndrome. Last evaluated: 2023-03-28. Review status: criteria provided, single submitter. Criteria: Ambry Variant Classification Scheme 2023. Collection method: clinical testing. Allele origin: germline.
Comment: The c.1857delT pathogenic mutation, located in coding exon 5 of the PALB2 gene, results from a deletion of one nucleotide at nucleotide position 1857, causing a translational frameshift with a predicted alternate stop codon (p.F619Lfs*9). This alteration has been reported in multiple breast and ovarian cancer cohorts (Vel&aacute;zquez C et al. Cancers (Basel), 2020 Aug;12; Girard E et al. Int J Cancer, 2019 Apr;144:1962-1974; Damiola F et al. Breast Cancer Res Treat, 2015 Dec;154:463-71). In addition to the clinical data presented in the literature, this alteration is expected to result in loss of function by premature protein truncation or nonsense-mediated mRNA decay. This variant is considered to be rare based on population cohorts in the Genome Aggregation Database (gnomAD). As such, this alteration is interpreted as a disease-causing mutation.

Labcorp Genetics (formerly Invitae), Labcorp
Classification: Pathogenic for Familial cancer of breast. Last evaluated: 2021-11-22. Review status: criteria provided, single submitter. Criteria: Invitae Variant Classification Sherloc (09022015). Collection method: clinical testing. Allele origin: germline.
Comment: For these reasons, this variant has been classified as Pathogenic. ClinVar contains an entry for this variant (Variation ID: 863868). This premature translational stop signal has been observed in individual(s) with breast cancer (PMID: 26564480). This variant is not present in population databases (gnomAD no frequency). This sequence change creates a premature translational stop signal (p.Phe619Leufs*9) in the PALB2 gene. It is expected to result in an absent or disrupted protein product. Loss-of-function variants in PALB2 are known to be pathogenic (PMID: 17200668, 17200671, 17200672, 24136930, 25099575).

Literature cited by the submitters: PubMed 26564480 (cited by 3 submitters); PubMed 30303537 (cited by Color Diagnostics, LLC DBA Color Health and Ambry Genetics); PubMed 32756499 (cited by Color Diagnostics, LLC DBA Color Health and Ambry Genetics); PubMed 17200668 (cited by Labcorp Genetics (formerly Invitae), Labcorp); PubMed 17200671 (cited by Labcorp Genetics (formerly Invitae), Labcorp); PubMed 17200672 (cited by Labcorp Genetics (formerly Invitae), Labcorp); PubMed 24136930 (cited by Labcorp Genetics (formerly Invitae), Labcorp); PubMed 25099575 (cited by Labcorp Genetics (formerly Invitae), Labcorp).

NM_024675.4(PALB2):c.1857del (p.Phe619fs)

Gene: PALB2 (partner and localizer of BRCA2; minus strand). Cytogenetic location: 16p12.2.
Variant type: Deletion.
Coding change: c.1857del on transcript NM_024675.4 (MANE Select); coding-DNA position 1857, one base deleted (T; older notation c.1857delT).
Protein change: p.Phe619fs; shifts the reading frame from phenylalanine 619.
Molecular consequence: frameshift variant.
Genome position (GRCh38, 1-based): chr16:23,630,297, A deleted on the plus strand (T on the coding strand, the reverse complement: PALB2 is on the minus strand); the first of 3 consecutive A bases (chr16:23,630,297-23,630,299); deleting any one gives the same sequence. VCF-style (leftmost placement, unchanged base first): chr16-23630296-CA-C. GRCh37 (hg19) VCF-style: chr16-23641617-CA-C.
Other names: c.1857delT (NM_024675.3); short protein forms F619fs.
Identifiers: ClinVar variation 863868 (VCV000863868.17), dbSNP rs1966864847, ClinGen allele CA916081854.